The following is an entry in ClinVar:

ClinVar aggregate classification (germline): Pathogenic/Likely pathogenic. Review status: criteria provided, multiple submitters, no conflicts (2 of 4 stars). 2 submissions from 2 submitters: Pathogenic (1); Likely pathogenic (1). Last evaluated 2025-11-12.

Conditions:
Familial thoracic aortic aneurysm and aortic dissection (TAAD). Also called: Thoracic aortic aneurysms and dissections. Identifiers: Orphanet 91387, MedGen C4707243, MONDO:0019625.

Submissions (2):

Labcorp Genetics (formerly Invitae), Labcorp
Classification: Pathogenic for Familial thoracic aortic aneurysm and aortic dissection. Last evaluated: 2025-11-12. Review status: criteria provided, single submitter. Criteria: Invitae Variant Classification Sherloc (09022015). Collection method: clinical testing. Allele origin: germline.
Comment: This sequence change creates a premature translational stop signal (p.Arg129Serfs*36) in the SMAD3 gene. It is expected to result in an absent or disrupted protein product. Loss-of-function variants in SMAD3 are known to be pathogenic (PMID: 21778426, 24804794). This variant is not present in population databases (gnomAD no frequency). This variant has not been reported in the literature in individuals affected with SMAD3-related conditions. For these reasons, this variant has been classified as Pathogenic.

GeneDx
Classification: Likely pathogenic. Last evaluated: 2016-04-15. Review status: criteria provided, single submitter. Criteria: GeneDx Variant Classification (06012015). Collection method: clinical testing. Allele origin: germline. Affected: yes.
Comment: Although the c.387_388delAG variant in the SMAD3 gene has not been reported to our knowledge, this likely pathogenic variant causes a shift in reading frame starting at residue Arginine129, changing it to a Serine, and creating a premature stop codon at position 36 of the new reading frame, denoted p.Arg129SerfsX36. This likely pathogenic variant is expected to result in either an abnormal, truncated protein product or loss of protein from this allele through nonsense-mediated mRNA decay. The c.387_388delAG likely pathogenic variant was not observed in approximately 6,500 individuals of European and African American ancestry in the NHLBI Exome Sequencing Project, indicating it is not a common benign variant in these populations. Other frameshift variants in the SMAD3 gene have been reported in association with TAAD. In summary, c.387_388delAG in the SMAD3 gene is interpreted as a likely disease-causing mutation.

Literature cited by the submitters: PubMed 21778426 (cited by Labcorp Genetics (formerly Invitae), Labcorp); PubMed 24804794 (cited by Labcorp Genetics (formerly Invitae), Labcorp).

NM_005902.4(SMAD3):c.387_388del (p.Arg129fs)

Gene: SMAD3 (SMAD family member 3; plus strand). Cytogenetic location: 15q22.33.
Variant type: Microsatellite.
Coding change: c.387_388del on transcript NM_005902.4 (MANE Select); coding-DNA positions 387 to 388, 2 bases deleted (AG; older notation c.387_388delAG).
Protein change: p.Arg129fs; shifts the reading frame from arginine 129.
Molecular consequence: frameshift variant.
Genome position (GRCh38, 1-based): chr15:67,165,075-67,165,076, AG deleted; deleting any 2 consecutive bases within chr15:67,165,071-67,165,076 gives the same sequence; the c. name uses the placement nearest the transcript's 3' end. VCF-style (leftmost placement, unchanged base first): chr15-67165070-CAG-C. GRCh37 (hg19) VCF-style: chr15-67457408-CAG-C.
Other names: c.72_73del, p.Arg24fs (NM_001145102.2); c.255_256del, p.Arg85fs (NM_001145103.2); short protein forms R24fs, R129fs, R85fs.
Identifiers: ClinVar variation 213790 (VCV000213790.3), dbSNP rs863223757, ClinGen allele CA322453.